The following is an entry in ClinVar:

ClinVar aggregate classification (germline): Uncertain significance (1 of 4 stars; one submission).

Conditions:
Aicardi-Goutieres syndrome 2. Identifiers: Orphanet 51, MedGen C3489724, MONDO:0012429, OMIM 610181.

gnomAD v4.1: 1 of 1,462,214 alleles (0.000068%); no homozygotes.

Submission:

Labcorp Genetics (formerly Invitae), Labcorp
Classification: Uncertain significance for Aicardi-Goutieres syndrome 2. Last evaluated: 2022-03-25. Review status: criteria provided, single submitter. Criteria: Invitae Variant Classification Sherloc (09022015). Collection method: clinical testing. Allele origin: germline.
Comment: This sequence change replaces glycine, which is neutral and non-polar, with alanine, which is neutral and non-polar, at codon 10 of the RNASEH2B protein (p.Gly10Ala). This variant is not present in population databases (gnomAD no frequency). This variant has not been reported in the literature in individuals affected with RNASEH2B-related conditions. Algorithms developed to predict the effect of missense changes on protein structure and function output the following: SIFT: "Tolerated"; PolyPhen-2: "Not Available"; Align-GVGD: "Class C0". The alanine amino acid residue is found in multiple mammalian species, which suggests that this missense change does not adversely affect protein function. In summary, the available evidence is currently insufficient to determine the role of this variant in disease. Therefore, it has been classified as a Variant of Uncertain Significance.

NM_024570.4(RNASEH2B):c.29G>C (p.Gly10Ala)

Genes: RNASEH2B (ribonuclease H2 subunit B; plus strand), RNASEH2B-AS1 (RNASEH2B antisense RNA 1; minus strand), LOC130009810 (ATAC-STARR-seq lymphoblastoid silent region 5362; plus strand). Cytogenetic location: 13q14.3.
Variant type: single nucleotide variant.
Coding change: c.29G>C on transcript NM_024570.4 (MANE Select); coding-DNA position 29, G replaced by C.
Protein change: p.Gly10Ala; replaces glycine 10 with alanine.
Molecular consequence: missense variant.
Genome position (GRCh38, 1-based): chr13:50,910,105, G>C. VCF-style: chr13-50910105-G-C. GRCh37 (hg19) VCF-style: chr13-51484241-G-C.
Other names: c.29G>C, p.Gly10Ala (NM_001142279.2, NM_001411023.1); short protein forms G10A.
Identifiers: ClinVar variation 2116662 (VCV002116662.1), dbSNP rs1340493334, ClinGen allele CA388258409.